The following is an entry in ClinVar:

NM_014159.7(SETD2):c.4129A>G (p.Ile1377Val)

Gene: SETD2 (SET domain containing 2, histone lysine methyltransferase; minus strand). Cytogenetic location: 3p21.31.
Variant type: single nucleotide variant.
Coding change: c.4129A>G on transcript NM_014159.7 (MANE Select); coding-DNA position 4129, A replaced by G.
Protein change: p.Ile1377Val; replaces isoleucine 1377 with valine.
Molecular consequence: missense variant. On other transcripts: non-coding transcript variant (1).
Genome position (GRCh38, 1-based): chr3:47,120,507, T>C on the plus strand (A>G on the coding strand, the complement: SETD2 is on the minus strand). VCF-style: chr3-47120507-T-C. GRCh37 (hg19) VCF-style: chr3-47161997-T-C.
Other names: c.3997A>G, p.Ile1333Val (NM_001349370.3); short protein forms I1333V, I1377V.
Identifiers: ClinVar variation 3012178 (VCV003012178.3), dbSNP rs777116969, ClinGen allele CA352518540.

ClinVar aggregate classification (germline): Uncertain significance (1 of 4 stars; one submission).

Conditions:
Luscan-Lumish syndrome. Identifiers: Orphanet 597738, MedGen C4085873, MONDO:0014791, OMIM 616831.

gnomAD v4.1: 1 of 1,614,002 alleles (0.000062%); highest among the groups gnomAD compares: South Asian, 0.0011%; no homozygotes.

Submission:

Labcorp Genetics (formerly Invitae), Labcorp
Classification: Uncertain significance for Luscan-Lumish syndrome. Last evaluated: 2023-10-17. Review status: criteria provided, single submitter. Criteria: Invitae Variant Classification Sherloc (09022015). Collection method: clinical testing. Allele origin: germline.
Comment: This sequence change replaces isoleucine, which is neutral and non-polar, with valine, which is neutral and non-polar, at codon 1377 of the SETD2 protein (p.Ile1377Val). This variant is not present in population databases (gnomAD no frequency). This variant has not been reported in the literature in individuals affected with SETD2-related conditions. Advanced modeling of protein sequence and biophysical properties (such as structural, functional, and spatial information, amino acid conservation, physicochemical variation, residue mobility, and thermodynamic stability) performed at Invitae indicates that this missense variant is not expected to disrupt SETD2 protein function. In summary, the available evidence is currently insufficient to determine the role of this variant in disease. Therefore, it has been classified as a Variant of Uncertain Significance.